The following is an entry in ClinVar:

ClinVar aggregate classification (germline): Uncertain significance (1 of 4 stars; one submission).

Submission:

Labcorp Genetics (formerly Invitae), Labcorp
Classification: Uncertain significance. Last evaluated: 2021-08-19. Review status: criteria provided, single submitter. Criteria: Invitae Variant Classification Sherloc (09022015). Collection method: clinical testing. Allele origin: germline.
Comment: Algorithms developed to predict the effect of missense changes on protein structure and function output the following: SIFT: "Not Available"; PolyPhen-2: "Benign"; Align-GVGD: "Not Available". The glycine amino acid residue is found in multiple mammalian species, which suggests that this missense change does not adversely affect protein function. This variant has not been reported in the literature in individuals affected with TYROBP-related conditions. This variant is not present in population databases (ExAC no frequency). Algorithms developed to predict the effect of sequence changes on RNA splicing suggest that this variant may create or strengthen a splice site. This sequence change replaces serine with glycine at codon 20 of the TYROBP protein (p.Ser20Gly). The serine residue is weakly conserved and there is a small physicochemical difference between serine and glycine. In summary, the available evidence is currently insufficient to determine the role of this variant in disease. Therefore, it has been classified as a Variant of Uncertain Significance.

NM_003332.4(TYROBP):c.58A>G (p.Ser20Gly)

Gene: TYROBP (transmembrane immune signaling adaptor TYROBP; minus strand). Cytogenetic location: 19q13.12.
Variant type: single nucleotide variant.
Coding change: c.58A>G on transcript NM_003332.4 (MANE Select); coding-DNA position 58, A replaced by G.
Protein change: p.Ser20Gly; replaces serine 20 with glycine.
Molecular consequence: missense variant.
Genome position (GRCh38, 1-based): chr19:35,908,171, T>C on the plus strand (A>G on the coding strand, the complement: TYROBP is on the minus strand). VCF-style: chr19-35908171-T-C. GRCh37 (hg19) VCF-style: chr19-36399073-T-C.
Other names: c.58A>G, p.Ser20Gly (NM_001173514.2, NM_001173515.2, NM_198125.3); short protein forms S20G.
Identifiers: ClinVar variation 1401547 (VCV001401547.6), dbSNP rs888664286, ClinGen allele CA307788044.